The following is an entry in ClinVar:

ClinVar aggregate classification (germline): Likely benign. Review status: criteria provided, multiple submitters, no conflicts (2 of 4 stars). 2 submissions from 2 submitters: Likely benign (2). Last evaluated 2025-10-01.

Allele frequency attached by ClinVar (database versions not stated): gnomAD exomes below 0.00001; gnomAD 0.00001; 1000 Genomes Project 30x 0.00016; 1000 Genomes Project 0.00020.
gnomAD v4.1: 3 of 1,614,226 alleles (0.00019%); highest among the groups gnomAD compares: East Asian, 0.0045%; no homozygotes.

Submissions (2):

CeGaT Center for Human Genetics Tuebingen
Classification: Likely benign. Last evaluated: 2025-10-01. Review status: criteria provided, single submitter. Criteria: CeGaT Center For Human Genetics Tuebingen Variant Classification Criteria Version 2. Collection method: clinical testing. Allele origin: germline. Affected: yes. Observed: 1 variant allele.
Comment: ABCC2: BP4, BP7

Labcorp Genetics (formerly Invitae), Labcorp
Classification: Likely benign. Last evaluated: 2024-03-01. Review status: criteria provided, single submitter. Criteria: Invitae Variant Classification Sherloc (09022015). Collection method: clinical testing. Allele origin: germline.

NM_000392.5(ABCC2):c.3903G>A (p.Gln1301=)

Gene: ABCC2 (ATP binding cassette subfamily C member 2; plus strand). Cytogenetic location: 10q24.2.
Variant type: single nucleotide variant.
Coding change: c.3903G>A on transcript NM_000392.5 (MANE Select); coding-DNA position 3903, G replaced by A.
Protein change: p.Gln1301=; no amino-acid change (glutamine 1301 retained).
Molecular consequence: synonymous variant.
Genome position (GRCh38, 1-based): chr10:99,844,381, G>A. VCF-style: chr10-99844381-G-A. GRCh37 (hg19) VCF-style: chr10-101604138-G-A.
Identifiers: ClinVar variation 2800524 (VCV002800524.9), dbSNP rs533048556, ClinGen allele CA212867158.